The following is an entry in ClinVar:

ClinVar aggregate classification (germline): Benign/Likely benign. Review status: criteria provided, multiple submitters, no conflicts (2 of 4 stars). 5 submissions from 5 submitters: Benign (4); Likely benign (1). Last evaluated 2026-07-01.

Allele frequency attached by ClinVar (database versions not stated): 1000 Genomes Project 30x 0.00281; 1000 Genomes Project 0.00300; gnomAD 0.00641 and 0.00675; ESP Exome Variant Server 0.00646; ExAC 0.00696; TOPMed 0.00713; gnomAD exomes 0.00729 and 0.00790.
gnomAD v4.1: 12,602 of 1,613,932 alleles (0.78%); highest among the groups gnomAD compares: Non-Finnish European, 0.83%; 88 homozygotes.

Submissions (5):

CeGaT Center for Human Genetics Tuebingen
Classification: Likely benign. Last evaluated: 2026-07-01. Review status: criteria provided, single submitter. Criteria: CeGaT Center For Human Genetics Tuebingen Variant Classification Criteria Version 2. Collection method: clinical testing. Allele origin: germline. Affected: yes. Observed: 8 variant alleles.
Comment: XPR1: BP4, BP7, BS2

Labcorp Genetics (formerly Invitae), Labcorp
Classification: Benign. Last evaluated: 2026-01-27. Review status: criteria provided, single submitter. Criteria: Invitae Variant Classification Sherloc (09022015). Collection method: clinical testing. Allele origin: germline.

Mayo Clinic Laboratories, Mayo Clinic
Classification: Benign. Last evaluated: 2023-03-16. Review status: criteria provided, single submitter. Criteria: ACMG Guidelines, 2015. Collection method: clinical testing. Allele origin: germline. Observed: 13 variant alleles.
Comment: BS1, BS2, BP4, BP7

GeneDx
Classification: Benign. Last evaluated: 2018-10-05. Review status: criteria provided, single submitter. Criteria: GeneDx Variant Classification Process June 2021. Collection method: clinical testing. Allele origin: germline. Affected: yes.

Breakthrough Genomics
Classification: Benign. Review status: criteria provided, single submitter. Criteria: ACMG Guidelines, 2015. Collection method: not provided. Allele origin: germline. Inheritance: Autosomal dominant inheritance. Affected: yes.

NM_004736.4(XPR1):c.819G>T (p.Arg273=)

Gene: XPR1 (xenotropic and polytropic retrovirus receptor 1; plus strand). Cytogenetic location: 1q25.3.
Variant type: single nucleotide variant.
Coding change: c.819G>T on transcript NM_004736.4 (MANE Select); coding-DNA position 819, G replaced by T.
Protein change: p.Arg273=; no amino-acid change (arginine 273 retained).
Molecular consequence: synonymous variant. On other transcripts: non-coding transcript variant (1).
Genome position (GRCh38, 1-based): chr1:180,824,808, G>T. VCF-style: chr1-180824808-G-T. GRCh37 (hg19) VCF-style: chr1-180793944-G-T.
Other names: p.Arg273=; c.819G>T, p.Arg273= (NM_001135669.2, NM_001328662.2).
Identifiers: ClinVar variation 774161 (VCV000774161.37), dbSNP rs144546884, ClinGen allele CA1272635.